The following is an entry in ClinVar:

ClinVar aggregate classification (germline): Uncertain significance. Review status: criteria provided, multiple submitters, no conflicts (2 of 4 stars). 2 submissions from 2 submitters: Uncertain significance (2). Last evaluated 2026-01-11.

Submissions (2):

Labcorp Genetics (formerly Invitae), Labcorp
Classification: Uncertain significance. Last evaluated: 2026-01-11. Review status: criteria provided, single submitter. Criteria: Invitae Variant Classification Sherloc (09022015). Collection method: clinical testing. Allele origin: germline.
Comment: This variant, c.569_571del, results in the deletion of 1 amino acid(s) of the UNC45A protein (p.Lys190del), but otherwise preserves the integrity of the reading frame. This variant is present in population databases (rs773016928, gnomAD 0.1%). This variant has not been reported in the literature in individuals affected with UNC45A-related conditions. Experimental studies and prediction algorithms are not available or were not evaluated, and the functional significance of this variant is currently unknown. In summary, the available evidence is currently insufficient to determine the role of this variant in disease. Therefore, it has been classified as a Variant of Uncertain Significance.

Breakthrough Genomics
Classification: Uncertain significance. Review status: criteria provided, single submitter. Criteria: ACMG Guidelines, 2015. Collection method: not provided. Allele origin: germline. Inheritance: Autosomal recessive inheritance. Affected: yes.

NM_018671.5(UNC45A):c.566AGA[1] (p.Lys190del)

Gene: UNC45A (unc-45 myosin chaperone A; plus strand). Cytogenetic location: 15q26.1.
Variant type: Microsatellite.
Coding change: c.566AGA[1] on transcript NM_018671.5 (MANE Select); one copy of the 3-base unit AGA starting at c.566; the reference has two copies in a row; one copy, 3 bases deleted.
Protein change: p.Lys190del; deletes lysine 190.
Molecular consequence: inframe deletion.
Genome position (GRCh38, 1-based): chr15:90,940,355-90,940,357, AGA deleted; deleting any 3 consecutive bases within chr15:90,940,352-90,940,357 gives the same sequence; the position shown is the placement nearest the transcript's 3' end. VCF-style (leftmost placement, unchanged base first): chr15-90940351-GAGA-G. GRCh37 (hg19) VCF-style: chr15-91483581-GAGA-G.
Other names: c.521AGA[1], p.Lys175del (NM_001039675.2, NM_001323621.2); c.566AGA[1], p.Lys190del (NM_001323619.1); c.131AGA[1], p.Lys45del (NM_001323620.2); short protein forms K175del, K190del, K45del.
Identifiers: ClinVar variation 1055244 (VCV001055244.6), dbSNP rs773016928, ClinGen allele CA7742591.